The following is an entry in ClinVar:

ClinVar aggregate classification (germline): Likely pathogenic (1 of 4 stars; one submission).

Conditions:
Phenylketonuria (PKU). Also called: Phenylketonuria (PKU); OLIGOPHRENIA PHENYLPYRUVICA; FOLLING DISEASE; Phenylketonurias. Identifiers: Orphanet 716, MedGen C0031485, MONDO:0009861, OMIM 261600. Disease mechanism: loss of function.

gnomAD v4.1: 3 of 1,614,202 alleles (0.00019%); highest among the groups gnomAD compares: South Asian, 0.0011%; no homozygotes.

Submission:

Labcorp Genetics (formerly Invitae), Labcorp
Classification: Likely pathogenic for Phenylketonuria. Last evaluated: 2022-05-10. Review status: criteria provided, single submitter. Criteria: Invitae Variant Classification Sherloc (09022015). Collection method: clinical testing. Allele origin: germline.
Comment: This sequence change replaces isoleucine, which is neutral and non-polar, with valine, which is neutral and non-polar, at codon 224 of the PAH protein (p.Ile224Val). In summary, the currently available evidence indicates that the variant is pathogenic, but additional data are needed to prove that conclusively. Therefore, this variant has been classified as Likely Pathogenic. This variant disrupts the p.Ile224 amino acid residue in PAH. Other variant(s) that disrupt this residue have been determined to be pathogenic (PMID: 32668217). This suggests that this residue is clinically significant, and that variants that disrupt this residue are likely to be disease-causing. Advanced modeling of protein sequence and biophysical properties (such as structural, functional, and spatial information, amino acid conservation, physicochemical variation, residue mobility, and thermodynamic stability) performed at Invitae indicates that this missense variant is expected to disrupt PAH protein function. This variant has not been reported in the literature in individuals affected with PAH-related conditions. This variant is not present in population databases (gnomAD no frequency).

Literature cited by the submitters: PubMed 32668217.

NM_000277.3(PAH):c.670A>G (p.Ile224Val)

Gene: PAH (phenylalanine hydroxylase; minus strand). Cytogenetic location: 12q23.2.
Variant type: single nucleotide variant.
Coding change: c.670A>G on transcript NM_000277.3 (MANE Select); coding-DNA position 670, A replaced by G.
Protein change: p.Ile224Val; replaces isoleucine 224 with valine.
Molecular consequence: missense variant.
Genome position (GRCh38, 1-based): chr12:102,855,172, T>C on the plus strand (A>G on the coding strand, the complement: PAH is on the minus strand). VCF-style: chr12-102855172-T-C. GRCh37 (hg19) VCF-style: chr12-103248950-T-C.
Other names: c.670A>G, p.Ile224Val (NM_001354304.2); short protein forms I224V.
Identifiers: ClinVar variation 2153853 (VCV002153853.4), dbSNP rs2499625917, ClinGen allele CA386296593.